The following is an entry in ClinVar:

NM_014305.4(TGDS):c.839A>G (p.Asn280Ser)

Gene: TGDS (TDP-glucose 4,6-dehydratase; minus strand). Cytogenetic location: 13q32.1.
Variant type: single nucleotide variant.
Coding change: c.839A>G on transcript NM_014305.4 (MANE Select); coding-DNA position 839, A replaced by G.
Protein change: p.Asn280Ser; replaces asparagine 280 with serine.
Molecular consequence: missense variant. On other transcripts: non-coding transcript variant (2).
Genome position (GRCh38, 1-based): chr13:94,577,416, T>C on the plus strand (A>G on the coding strand, the complement: TGDS is on the minus strand). VCF-style: chr13-94577416-T-C. GRCh37 (hg19) VCF-style: chr13-95229670-T-C.
Other names: c.743A>G, p.Asn248Ser (NM_001304430.2); short protein forms N280S, N248S.
Identifiers: ClinVar variation 4763623 (VCV004763623.1).
Genomic context (GRCh38, chr13:94,577,416, plus strand): 5'-TAACTTGTTACTCACCTATCATTAACATAATCAACCCAATTTTCCATTTCAGACTCTGAA[T>C]TGGTCTCTTTGATCTGTCAAAATGGAAAAAGCTTTTGAGTCAAATTATAAAATGAGATCA-3'
Protein context (NP_055120.1, residues 270-290): KELIQLIKET[Asn280Ser]SESEMENWVD

ClinVar aggregate classification (germline): Uncertain significance (1 of 4 stars; one submission).

gnomAD v4.1: 6 of 1,575,524 alleles (0.00038%); highest among the groups gnomAD compares: South Asian, 0.0036%; 1 homozygote.

Submission:

Labcorp Genetics (formerly Invitae), Labcorp
Classification: Uncertain significance. Last evaluated: 2025-11-23. Review status: criteria provided, single submitter. Criteria: Invitae Variant Classification Sherloc (09022015). Collection method: clinical testing. Allele origin: germline.
Comment: This sequence change replaces asparagine, which is neutral and polar, with serine, which is neutral and polar, at codon 280 of the TGDS protein (p.Asn280Ser). The frequency data for this variant in the population databases is considered unreliable, as metrics indicate poor data quality at this position in the gnomAD database. This variant has not been reported in the literature in individuals affected with TGDS-related conditions. An algorithm developed to predict the effect of missense changes on protein structure and function outputs the following: PolyPhen-2: "Benign". The serine amino acid residue is found in multiple mammalian species, which suggests that this missense change does not adversely affect protein function. In summary, the available evidence is currently insufficient to determine the role of this variant in disease. Therefore, it has been classified as a Variant of Uncertain Significance.